The following is an entry in ClinVar:

NM_002471.4(MYH6):c.986A>T (p.Glu329Val)

Gene: MYH6 (myosin heavy chain 6; minus strand). Cytogenetic location: 14q11.2.
Variant type: single nucleotide variant.
Coding change: c.986A>T on transcript NM_002471.4 (MANE Select); coding-DNA position 986, A replaced by T.
Protein change: p.Glu329Val; replaces glutamic acid 329 with valine.
Molecular consequence: missense variant.
Genome position (GRCh38, 1-based): chr14:23,402,713, T>A on the plus strand (A>T on the coding strand, the complement: MYH6 is on the minus strand). VCF-style: chr14-23402713-T-A. GRCh37 (hg19) VCF-style: chr14-23871922-T-A.
Other names: short protein forms E329V.
Identifiers: ClinVar variation 1768443 (VCV001768443.2), dbSNP rs2502198329, ClinGen allele CA389026830.

ClinVar aggregate classification (germline): Uncertain significance (1 of 4 stars; one submission).

Conditions:
Cardiovascular phenotype. Identifiers: MedGen CN230736.

Submission:

Ambry Genetics
Classification: Uncertain significance for Cardiovascular phenotype. Last evaluated: 2022-08-30. Review status: criteria provided, single submitter. Criteria: Ambry Variant Classification Scheme 2023. Collection method: clinical testing. Allele origin: germline.
Comment: The p.E329V variant (also known as c.986A>T), located in coding exon 9 of the MYH6 gene, results from an A to T substitution at nucleotide position 986. The glutamic acid at codon 329 is replaced by valine, an amino acid with dissimilar properties. This amino acid position is conserved. In addition, the in silico prediction for this alteration is inconclusive. Since supporting evidence is limited at this time, the clinical significance of this alteration remains unclear.